The following is an entry in ClinVar:

ClinVar aggregate classification (germline): Uncertain significance (1 of 4 stars; one submission).

Conditions:
Hereditary cancer-predisposing syndrome. Also called: Neoplastic Syndromes, Hereditary; Tumor predisposition; Hereditary neoplastic syndrome; Hereditary Cancer Syndrome. Identifiers: Orphanet 140162, MedGen C0027672, MeSH D009386, MONDO:0015356.

Submission:

Ambry Genetics
Classification: Uncertain significance for Hereditary cancer-predisposing syndrome. Last evaluated: 2026-07-07. Review status: criteria provided, single submitter. Criteria: Ambry Variant Classification Scheme 2023. Collection method: clinical testing. Allele origin: germline.
Comment: The p.V466L variant (also known as c.1396G>T), located in coding exon 9 of the FLCN gene, results from a G to T substitution at nucleotide position 1396. The valine at codon 466 is replaced by leucine, an amino acid with highly similar properties. This amino acid position is conserved. In addition, the in silico prediction for this alteration is inconclusive. Based on the available evidence, the clinical significance of this variant remains unclear.

NM_144997.7(FLCN):c.1396G>T (p.Val466Leu)

Gene: FLCN (folliculin; minus strand). Cytogenetic location: 17p11.2.
Variant type: single nucleotide variant.
Coding change: c.1396G>T on transcript NM_144997.7 (MANE Select); coding-DNA position 1396, G replaced by T.
Protein change: p.Val466Leu; replaces valine 466 with leucine.
Molecular consequence: missense variant.
Genome position (GRCh38, 1-based): chr17:17,215,221, C>A on the plus strand (G>T on the coding strand, the complement: FLCN is on the minus strand). VCF-style: chr17-17215221-C-A. GRCh37 (hg19) VCF-style: chr17-17118535-C-A.
Other names: c.1450G>T, p.Val484Leu (NM_001353229.2); c.1396G>T, p.Val466Leu (NM_001353230.2, NM_001353231.2); short protein forms V466L, V484L.
Identifiers: ClinVar variation 5021844 (VCV005021844.1).